The following is an entry in ClinVar:

NM_130837.3(OPA1):c.222A>T (p.Lys74Asn)

Gene: OPA1 (OPA1 mitochondrial dynamin like GTPase; plus strand). Cytogenetic location: 3q29.
Variant type: single nucleotide variant.
Coding change: c.222A>T on transcript NM_130837.3 (MANE Select); coding-DNA position 222, A replaced by T.
Protein change: p.Lys74Asn; replaces lysine 74 with asparagine.
Molecular consequence: missense variant. On other transcripts: 5 prime UTR variant (2).
Genome position (GRCh38, 1-based): chr3:193,614,912, A>T. VCF-style: chr3-193614912-A-T. GRCh37 (hg19) VCF-style: chr3-193332701-A-T.
Other names: p.Lys74Asn; c.-151A>T (NM_001354663.2, NM_001354664.2); c.222A>T, p.Lys74Asn (NM_015560.3, NM_130831.3, NM_130832.3 and 4 more transcripts); short protein forms K74N.
Identifiers: ClinVar variation 1218850 (VCV001218850.15), dbSNP rs114157340, ClinGen allele CA2758952.
Genomic context (GRCh38, chr3:193,614,912, plus strand): 5'-ATTAAGGACATCCTTTCAGCAGTTCTCTTCTCTGACAAACCTTCCTTTACGTAAACTGAA[A>T]TTCTCTCCAATTAAATATGGCTACCAGCCTCGCAGGAATTTTTGGCCAGCAAGATTAGCT-3'
Protein context (NP_570850.2, residues 64-84): SLTNLPLRKL[Lys74Asn]FSPIKYGYQP

ClinVar aggregate classification (germline): Conflicting classifications of pathogenicity. Review status: criteria provided, conflicting classifications (1 of 4 stars). 3 submissions from 3 submitters: Uncertain significance (2); Benign (1). Last evaluated 2026-01-12.

Allele frequency attached by ClinVar (database versions not stated): gnomAD exomes 0.00002 and 0.00007; ExAC 0.00009; ESP Exome Variant Server 0.00015; 1000 Genomes Project 0.00020; gnomAD 0.00025 and 0.00029; TOPMed 0.00027; 1000 Genomes Project 30x 0.00031.
gnomAD v4.1: 71 of 1,613,894 alleles (0.0044%); highest among the groups gnomAD compares: African/African-American, 0.088%; no homozygotes.

Submissions (3):

Labcorp Genetics (formerly Invitae), Labcorp
Classification: Benign. Last evaluated: 2026-01-12. Review status: criteria provided, single submitter. Criteria: Invitae Variant Classification Sherloc (09022015). Collection method: clinical testing. Allele origin: germline.

GeneDx
Classification: Uncertain significance. Last evaluated: 2025-12-07. Review status: criteria provided, single submitter. Criteria: GeneDx Variant Classification Process June 2021. Collection method: clinical testing. Allele origin: germline. Affected: yes.
Comment: Has not been previously published as pathogenic or benign to our knowledge; In silico analysis suggests that this missense variant does not alter protein structure/function

Mayo Clinic Laboratories, Mayo Clinic
Classification: Uncertain significance. Last evaluated: 2024-04-19. Review status: criteria provided, single submitter. Criteria: ACMG Guidelines, 2015. Collection method: clinical testing. Allele origin: germline. Observed: 1 variant allele.
Comment: BP4